The following is an entry in ClinVar:

NM_002838.5(PTPRC):c.2107G>T (p.Ala703Ser)

Gene: PTPRC (protein tyrosine phosphatase receptor type C; plus strand). Cytogenetic location: 1q32.1.
Variant type: single nucleotide variant.
Coding change: c.2107G>T on transcript NM_002838.5 (MANE Select); coding-DNA position 2107, G replaced by T.
Protein change: p.Ala703Ser; replaces alanine 703 with serine.
Molecular consequence: missense variant.
Genome position (GRCh38, 1-based): chr1:198,732,521, G>T. VCF-style: chr1-198732521-G-T. GRCh37 (hg19) VCF-style: chr1-198701650-G-T.
Other names: c.1624G>T, p.Ala542Ser (NM_080921.4); short protein forms A542S, A703S.
Identifiers: ClinVar variation 958174 (VCV000958174.8), dbSNP rs1654442187, ClinGen allele CA344046063.
Genomic context (GRCh38, chr1:198,732,521, plus strand): 5'-TTTTCTTTTCCTTAAACAGATGATTATAACCGTGTTGAACTCTCTGAGATAAACGGAGAT[G>T]CAGGGTCAAACTACATAAATGCCAGCTATATTGATGTGAGTAAAAATTTGCATTTTTCTT-3'
Protein context (NP_002829.3, residues 693-713): RVELSEINGD[Ala703Ser]GSNYINASYI

ClinVar aggregate classification (germline): Uncertain significance (1 of 4 stars; one submission).

Conditions:
Immunodeficiency 104. Also called: Severe Combined Immune Deficiency, Autosomal Recessive, TCell -Negative, B Cell-Positive, NK Cell-Positive, IL7R-Related; SCID, AUTOSOMAL RECESSIVE, T CELL-NEGATIVE, B CELL-POSITIVE, NK CELL-POSITIVE; IMMUNODEFICIENCY 104, SEVERE COMBINED; Severe combined immunodeficiency, autosomal recessive, T cell-negative, B cell-positive, NK cell-positive. Identifiers: MedGen C5676890, MONDO:0012163, OMIM 608971.

Submission:

Labcorp Genetics (formerly Invitae), Labcorp
Classification: Uncertain significance for Immunodeficiency 104. Last evaluated: 2022-12-20. Review status: criteria provided, single submitter. Criteria: Invitae Variant Classification Sherloc (09022015). Collection method: clinical testing. Allele origin: germline.
Comment: In summary, the available evidence is currently insufficient to determine the role of this variant in disease. Therefore, it has been classified as a Variant of Uncertain Significance. Algorithms developed to predict the effect of missense changes on protein structure and function are either unavailable or do not agree on the potential impact of this missense change (SIFT: "Deleterious"; PolyPhen-2: "Possibly Damaging"; Align-GVGD: "Class C0"). ClinVar contains an entry for this variant (Variation ID: 958174). This variant has not been reported in the literature in individuals affected with PTPRC-related conditions. This variant is not present in population databases (gnomAD no frequency). This sequence change replaces alanine, which is neutral and non-polar, with serine, which is neutral and polar, at codon 703 of the PTPRC protein (p.Ala703Ser).